The following is an entry in ClinVar:

ClinVar aggregate classification (germline): Uncertain significance (1 of 4 stars; one submission).

Conditions:
Leigh syndrome (NULS). Also called: Leigh's necrotizing encephalopathy; Leigh's disease; Leigh Syndrome (mtDNA deletion); Leigh Disease; Subacute necrotizing encephalopathy; Necrotizing encephalopathy infantile subacute of Leigh. Identifiers: Orphanet 506, MedGen C2931891, MONDO:0009723, OMIM 256000.

Submission:

Wong Mito Lab, Molecular and Human Genetics, Baylor College of Medicine
Classification: Uncertain significance for Leigh syndrome. Last evaluated: 2019-10-17. Review status: criteria provided, single submitter. Criteria: Modified ACMG Guidelines (Unpublished). Collection method: clinical testing. Allele origin: germline.
Comment: The NC_012920.1:m.9654A>G (YP_003024032.1:p.Ser150Gly) variant in MTCO3 gene is interpretated to be a Uncertain Significance variant based on the modified ACMG guidelines (unpublished). This variant meets the following evidence codes: no criteria

NC_012920.1(MT-CO3):m.9654A>G

Gene: MT-CO3 (mitochondrially encoded cytochrome c oxidase III; plus strand).
Variant type: single nucleotide variant.
Genome position: chrM-9654-A-G.
Identifiers: ClinVar variation 693199 (VCV000693199.1), dbSNP rs1603222419, ClinGen allele CA414803413.